The following is an entry in ClinVar:

ClinVar aggregate classification (germline): Likely benign (0 of 4 stars; one submission).

Conditions:
CACNA1A-related disorder. Also called: CACNA1A-related condition.

gnomAD v4.1: 41 of 1,538,878 alleles (0.0027%); highest among the groups gnomAD compares: Non-Finnish European, 0.0033%; 1 homozygote.

Submission:

PreventionGenetics, part of Exact Sciences
Classification: Likely benign for CACNA1A-related condition. Last evaluated: 2019-07-19. Review status: no assertion criteria provided. Collection method: clinical testing. Allele origin: germline.
Comment: This variant is classified as likely benign based on ACMG/AMP sequence variant interpretation guidelines (Richards et al. 2015 PMID: 25741868, with internal and published modifications).

NM_001127222.2(CACNA1A):c.7440C>T (p.His2480=)

Gene: CACNA1A (calcium voltage-gated channel subunit alpha1 A; minus strand). Cytogenetic location: 19p13.13.
Variant type: single nucleotide variant.
Coding change: c.7440C>T on transcript NM_001127222.2 (MANE Select); coding-DNA position 7440, C replaced by T.
Protein change: p.His2480=; no amino-acid change (histidine 2480 retained).
Molecular consequence: synonymous variant. On other transcripts: 3 prime UTR variant (3).
Genome position (GRCh38, 1-based): chr19:13,207,394, G>A on the plus strand (C>T on the coding strand, the complement: CACNA1A is on the minus strand). VCF-style: chr19-13207394-G-A. GRCh37 (hg19) VCF-style: chr19-13318208-G-A.
Other names: c.*652C>T (NM_000068.4, NM_001127221.2, NM_001174080.2); c.7458C>T, p.His2486= (NM_023035.3).
Identifiers: ClinVar variation 3049770 (VCV003049770.2), dbSNP rs539546830, ClinGen allele CA9239161.
Genomic context (GRCh38, chr19:13,207,394, plus strand): 5'-CTCGCTGTAGGGTTCGTGCAGGCCCTTCCTGGAGCCCGGCCCGCGGGGCCTGGCCAGTCC[G>A]TGCGCCGGGTAGTAGCCGTTGGGGAGTCGCCGGCCGTGCCGAGAAGGCGAGGCGCAGGCC-3'
Protein context (NP_001120694.1, residues 2470-2490): RRLPNGYYPA[His2480=]GLARPRGPGS